The following is an entry in ClinVar:

NM_207122.2(EXT2):c.1802_1803delinsCT (p.His601Pro)

Gene: EXT2 (exostosin glycosyltransferase 2; plus strand). Cytogenetic location: 11p11.2.
Variant type: Indel.
Coding change: c.1802_1803delinsCT on transcript NM_207122.2 (MANE Select); coding-DNA positions 1802 to 1803, AC replaced by CT.
Protein change: p.His601Pro; replaces histidine 601 with proline.
Molecular consequence: missense variant.
Genome position (GRCh38, 1-based): chr11:44,232,492-44,232,493, AC replaced by CT. VCF-style: chr11-44232492-AC-CT. GRCh37 (hg19) VCF-style: chr11-44254042-AC-CT.
Other names: c.1901_1902delinsCT, p.His634Pro (NM_000401.3); c.1832_1833delinsCT, p.His611Pro (NM_001178083.3); c.1802_1803delinsCT, p.His601Pro (NM_001389628.1, NM_001389630.1); short protein forms H601P, H634P, H611P.
Identifiers: ClinVar variation 1384494 (VCV001384494.6), dbSNP rs2135259942, ClinGen allele CA2573146292.

ClinVar aggregate classification (germline): Uncertain significance (1 of 4 stars; one submission).

Conditions:
Exostoses, multiple, type 2 (EXT2). Also called: Hereditary Multiple Osteochondromatosis, Type II; EXOSTOSES, MULTIPLE, TYPE II. Identifiers: Orphanet 321, MedGen C1851413, MONDO:0007586, OMIM 133701.

Submission:

Labcorp Genetics (formerly Invitae), Labcorp
Classification: Uncertain significance for Exostoses, multiple, type 2. Last evaluated: 2023-10-13. Review status: criteria provided, single submitter. Criteria: Invitae Variant Classification Sherloc (09022015). Collection method: clinical testing. Allele origin: germline.
Comment: This sequence change replaces histidine with proline at codon 601 of the EXT2 protein (p.His601Pro). The histidine residue is highly conserved and there is a moderate physicochemical difference between histidine and proline. Information on the frequency of this variant in the gnomAD database is not available, as this variant may be reported differently in the database. This variant has not been reported in the literature in individuals affected with EXT2-related conditions. ClinVar contains an entry for this variant (Variation ID: 1384494). An algorithm developed to predict the effect of missense changes on protein structure and function (PolyPhen-2) suggests that this variant is likely to be disruptive. In summary, the available evidence is currently insufficient to determine the role of this variant in disease. Therefore, it has been classified as a Variant of Uncertain Significance.